The following is an entry in ClinVar:

NM_020810.3(TRMT5):c.-55G>T

Genes: TRMT5 (tRNA methyltransferase 5; minus strand), LOC130055775 (ATAC-STARR-seq lymphoblastoid active region 8484; plus strand). Cytogenetic location: 14q23.1.
Variant type: single nucleotide variant.
Coding change: c.-55G>T on transcript NM_020810.3 (MANE Select); 55 bases upstream of the start codon, G replaced by T.
Molecular consequence: 5 prime UTR variant. On other transcripts: missense variant (1).
Genome position (GRCh38, 1-based): chr14:60,981,028, C>A on the plus strand (G>T on the coding strand, the complement: TRMT5 is on the minus strand). VCF-style: chr14-60981028-C-A. GRCh37 (hg19) VCF-style: chr14-61447746-C-A.
Other names: c.91G>T, p.Gly31Trp (NM_001350253.1); c.-93G>T (NM_001350254.1); short protein forms G31W.
Identifiers: ClinVar variation 3043369 (VCV003043369.2), dbSNP rs76739747, ClinGen allele CA7214077.

ClinVar aggregate classification (germline): Benign (0 of 4 stars; one submission).

Conditions:
TRMT5-related disorder. Also called: TRMT5-related condition.

Allele frequency attached by ClinVar (database versions not stated): ESP Exome Variant Server 0.00285; TOPMed 0.00515; 1000 Genomes Project 30x 0.00593; 1000 Genomes Project 0.00599.

Submission:

PreventionGenetics, part of Exact Sciences
Classification: Benign for TRMT5-related condition. Last evaluated: 2019-07-08. Review status: no assertion criteria provided. Collection method: clinical testing. Allele origin: germline.
Comment: This variant is classified as benign based on ACMG/AMP sequence variant interpretation guidelines (Richards et al. 2015 PMID: 25741868, with internal and published modifications).